The following is an entry in ClinVar:

NM_001127222.2(CACNA1A):c.3451G>C (p.Gly1151Arg)

Gene: CACNA1A (calcium voltage-gated channel subunit alpha1 A; minus strand). Cytogenetic location: 19p13.13.
Variant type: single nucleotide variant.
Coding change: c.3451G>C on transcript NM_001127222.2 (MANE Select); coding-DNA position 3451, G replaced by C.
Protein change: p.Gly1151Arg; replaces glycine 1151 with arginine.
Molecular consequence: missense variant.
Genome position (GRCh38, 1-based): chr19:13,286,605, C>G on the plus strand (G>C on the coding strand, the complement: CACNA1A is on the minus strand). VCF-style: chr19-13286605-C-G. GRCh37 (hg19) VCF-style: chr19-13397419-C-G.
Other names: c.3463G>C, p.Gly1155Arg (NM_000068.4, NM_023035.3); c.3454G>C, p.Gly1152Arg (NM_001127221.2, NM_001174080.2); short protein forms G1151R, G1152R, G1155R.
Identifiers: ClinVar variation 2505988 (VCV002505988.2), dbSNP rs374932564, ClinGen allele CA404341344.

ClinVar aggregate classification (germline): Uncertain significance. Review status: criteria provided, multiple submitters, no conflicts (2 of 4 stars). 2 submissions from 2 submitters: Uncertain significance (2). Last evaluated 2023-12-20.

Conditions:
Inborn genetic diseases. Identifiers: MedGen C0950123, MeSH D030342.

gnomAD v4.1: 14 of 1,525,876 alleles (0.00092%); highest among the groups gnomAD compares: Non-Finnish European, 0.0012%; no homozygotes.

Submissions (2):

Ambry Genetics
Classification: Uncertain significance for Inborn genetic diseases. Last evaluated: 2023-12-20. Review status: criteria provided, single submitter. Criteria: Ambry Variant Classification Scheme 2023. Collection method: clinical testing. Allele origin: germline.

GeneDx
Classification: Uncertain significance. Last evaluated: 2022-12-14. Review status: criteria provided, single submitter. Criteria: GeneDx Variant Classification Process June 2021. Collection method: clinical testing. Allele origin: germline. Affected: yes.
Comment: Not observed at significant frequency in large population cohorts (gnomAD); In silico analysis supports that this missense variant does not alter protein structure/function; Has not been previously published as pathogenic or benign to our knowledge